The following is an entry in ClinVar:

NC_000005.9:g.(?_112072721)_(112090732_?)dup

Gene: APC (APC regulator of Wnt signaling pathway; plus strand). Cytogenetic location: 5q22.2.
Variant type: Duplication.
Identifiers: ClinVar variation 1067201 (VCV001067201.2).

ClinVar aggregate classification (germline): Likely pathogenic (1 of 4 stars; one submission).

Conditions:
Familial adenomatous polyposis 1 (FAP1). Also called: FAMILIAL ADENOMATOUS POLYPOSIS 1, ATTENUATED; POLYPOSIS, ADENOMATOUS INTESTINAL. Identifiers: MedGen C2713442, MONDO:0021056, OMIM 175100. Disease mechanism: loss of function.

Submission:

Labcorp Genetics (formerly Invitae), Labcorp
Classification: Likely pathogenic for Familial adenomatous polyposis 1. Last evaluated: 2022-08-23. Review status: criteria provided, single submitter. Criteria: Invitae Variant Classification Sherloc (09022015). Collection method: clinical testing. Allele origin: germline.
Comment: This variant results in a copy number gain of the genomic region encompassing exon(s) 1-2 of the APC gene. This region includes the initiator codon of the gene. This copy number gain extends beyond the assayed region for this gene and therefore may encompass additional genes. As the precise location of this event is unknown, it may be in tandem or it may be located elsewhere in the genome. This particular gain has not been reported in the literature in individuals with APC-related disease. However, similar copy number gains involving promoter 1A, and exons 2-5 and 2-8 have been observed in individuals with clinical features consistent with familial adenomatous polyposis (FAP) or attenuated FAP (Invitae). There are several predicted outcomes of this duplication on APC protein function. While APC expression may occur in the duplicated region containing promoter 1A, it is more likely to be expressed from the original region also containing promoter 1B, which has been shown to drive higher levels of APC expression (PMID: 21643010). Therefore, the duplicated copy likely results in an absent or disrupted protein product. Experimental studies have not been tested for this variant. In summary, the currently available evidence indicates that the variant is pathogenic, but additional data are needed to prove that conclusively. Therefore, this variant has been classified as Likely Pathogenic.

Literature cited by the submitters: PubMed 21643010.